The following is an entry in ClinVar:

NM_001166108.2(PALLD):c.1110C>A (p.Asp370Glu)

Gene: PALLD (palladin, cytoskeletal associated protein; plus strand). Cytogenetic location: 4q32.3.
Variant type: single nucleotide variant.
Coding change: c.1110C>A on transcript NM_001166108.2 (MANE Select); coding-DNA position 1110, C replaced by A.
Protein change: p.Asp370Glu; replaces aspartic acid 370 with glutamic acid.
Molecular consequence: missense variant. On other transcripts: 5 prime UTR variant (1).
Genome position (GRCh38, 1-based): chr4:168,681,354, C>A. VCF-style: chr4-168681354-C-A. GRCh37 (hg19) VCF-style: chr4-169602505-C-A.
Other names: c.-37C>A (NM_001166109.2); c.1110C>A, p.Asp370Glu (NM_016081.4); short protein forms D370E.
Identifiers: ClinVar variation 3304086 (VCV003304086.1).

ClinVar aggregate classification (germline): Uncertain significance (1 of 4 stars; one submission).

Submission:

Ambry Genetics
Classification: Uncertain significance. Last evaluated: 2024-05-15. Review status: criteria provided, single submitter. Criteria: Ambry Variant Classification Scheme 2023. Collection method: clinical testing. Allele origin: germline.
Comment: The p.D370E variant (also known as c.1110C>A), located in coding exon 3 of the PALLD gene, results from a C to A substitution at nucleotide position 1110. The aspartic acid at codon 370 is replaced by glutamic acid, an amino acid with highly similar properties. This amino acid position is conserved. In addition, this alteration is predicted to be tolerated by in silico analysis. Based on the available evidence, the clinical significance of this variant remains unclear.